The following is an entry in ClinVar:

NM_022482.5(GZF1):c.2051CCA[2] (p.Thr686del)

Gene: GZF1 (GDNF inducible zinc finger protein 1; plus strand). Cytogenetic location: 20p11.21.
Variant type: Microsatellite.
Coding change: c.2051CCA[2] on transcript NM_022482.5 (MANE Select); two copies in a row of the 3-base unit CCA starting at c.2051; the reference has three copies in a row; one copy, 3 bases deleted.
Protein change: p.Thr686del; deletes threonine 686.
Molecular consequence: inframe deletion.
Genome position (GRCh38, 1-based): chr20:23,370,362-23,370,364, CCA deleted; deleting any 3 consecutive bases within chr20:23,370,356-23,370,364 gives the same sequence; the position shown is the placement nearest the transcript's 3' end. VCF-style (leftmost placement, unchanged base first): chr20-23370355-GCCA-G. GRCh37 (hg19) VCF-style: chr20-23350992-GCCA-G.
Other names: c.2051CCA[2], p.Thr686del (NM_001317012.2); c.2005CCA[2], p.Pro671del (NM_001317019.1); short protein forms P671del, T686del.
Identifiers: ClinVar variation 2053455 (VCV002053455.4), dbSNP rs756254875, ClinGen allele CA9788872.

ClinVar aggregate classification (germline): Uncertain significance (1 of 4 stars; one submission).

Submission:

Labcorp Genetics (formerly Invitae), Labcorp
Classification: Uncertain significance. Last evaluated: 2022-02-23. Review status: criteria provided, single submitter. Criteria: Invitae Variant Classification Sherloc (09022015). Collection method: clinical testing. Allele origin: germline.
Comment: In summary, the available evidence is currently insufficient to determine the role of this variant in disease. Therefore, it has been classified as a Variant of Uncertain Significance. Experimental studies and prediction algorithms are not available or were not evaluated, and the functional significance of this variant is currently unknown. This variant has not been reported in the literature in individuals affected with GZF1-related conditions. This variant is present in population databases (rs756254875, gnomAD 0.002%). This variant, c.2057_2059del, results in the deletion of 1 amino acid(s) of the GZF1 protein (p.Thr686del), but otherwise preserves the integrity of the reading frame.